The following is an entry in ClinVar:

ClinVar aggregate classification (germline): Uncertain significance (1 of 4 stars; one submission).

Conditions:
SCAPER-related disorder. Also called: SCAPER-related condition.

gnomAD v4.1: 1 of 1,613,196 alleles (0.000062%); no homozygotes.

Submission:

PreventionGenetics, part of Exact Sciences
Classification: Uncertain significance for SCAPER-related condition. Last evaluated: 2025-12-16. Review status: criteria provided, single submitter. Criteria: ACMG Guidelines, 2015. Collection method: clinical testing. Allele origin: germline.
Comment: The SCAPER c.1123A>G variant is predicted to result in the amino acid substitution p.Ile375Val. To our knowledge, this variant has not been reported in the literature. This variant is reported in 0.0029% of alleles in individuals of Latino descent in gnomAD. At this time, the clinical significance of this variant is uncertain due to the absence of conclusive functional and genetic evidence.

NM_020843.4(SCAPER):c.1123A>G (p.Ile375Val)

Gene: SCAPER (S-phase cyclin A associated protein in the ER; minus strand). Cytogenetic location: 15q24.3.
Variant type: single nucleotide variant.
Coding change: c.1123A>G on transcript NM_020843.4 (MANE Select); coding-DNA position 1123, A replaced by G.
Protein change: p.Ile375Val; replaces isoleucine 375 with valine.
Molecular consequence: missense variant. On other transcripts: non-coding transcript variant (1).
Genome position (GRCh38, 1-based): chr15:76,771,867, T>C on the plus strand (A>G on the coding strand, the complement: SCAPER is on the minus strand). VCF-style: chr15-76771867-T-C. GRCh37 (hg19) VCF-style: chr15-77064208-T-C.
Other names: c.385A>G, p.Ile129Val (NM_001145923.2); c.1123A>G, p.Ile375Val (NM_001353009.2); c.721A>G, p.Ile241Val (NM_001353010.2, NM_001353011.2, NM_001353012.2); short protein forms I129V, I241V, I375V.
Identifiers: ClinVar variation 4993981 (VCV004993981.1).